The following is an entry in ClinVar:

NM_001365536.1(SCN9A):c.3031C>A (p.Leu1011Ile)

Genes: SCN1A-AS1 (SCN1A and SCN9A antisense RNA 1; plus strand), SCN9A (sodium voltage-gated channel alpha subunit 9; minus strand). Cytogenetic location: 2q24.3.
Variant type: single nucleotide variant.
Coding change: c.3031C>A on transcript NM_001365536.1 (MANE Select); coding-DNA position 3031, C replaced by A.
Protein change: p.Leu1011Ile; replaces leucine 1011 with isoleucine.
Molecular consequence: missense variant.
Genome position (GRCh38, 1-based): chr2:166,272,719, G>T on the plus strand (C>A on the coding strand, the complement: SCN9A is on the minus strand). VCF-style: chr2-166272719-G-T. GRCh37 (hg19) VCF-style: chr2-167129229-G-T.
Other names: c.2998C>A, p.Leu1000Ile (NM_002977.4); short protein forms L1000I, L1011I.
Identifiers: ClinVar variation 1020331 (VCV001020331.9), dbSNP rs765781370, ClinGen allele CA349074358.

ClinVar aggregate classification (germline): Uncertain significance (1 of 4 stars; one submission).

Conditions:
Neuropathy, hereditary sensory and autonomic, type 2A (HSAN2A). Also called: HSAN IIA; ACROOSTEOLYSIS, GIACCAI TYPE; ACROOSTEOLYSIS, NEUROGENIC; MORVAN DISEASE; NEUROPATHY, CONGENITAL SENSORY; NEUROPATHY, HEREDITARY SENSORY RADICULAR, AUTOSOMAL RECESSIVE. Identifiers: Orphanet 970, MedGen C2752089, MONDO:0024309, OMIM 201300.
Generalized epilepsy with febrile seizures plus, type 7 (GEFSP7). Also called: GEFS+, TYPE 7. Identifiers: Orphanet 36387, MedGen C2751778, MONDO:0013470, OMIM 613863.

Submission:

Labcorp Genetics (formerly Invitae), Labcorp
Classification: Uncertain significance for Neuropathy, hereditary sensory and autonomic, type 2A; Generalized epilepsy with febrile seizures plus, type 7. Last evaluated: 2024-09-06. Review status: criteria provided, single submitter. Criteria: Invitae Variant Classification Sherloc (09022015). Collection method: clinical testing. Allele origin: germline.
Comment: This sequence change replaces leucine, which is neutral and non-polar, with isoleucine, which is neutral and non-polar, at codon 1000 of the SCN9A protein (p.Leu1000Ile). This variant is not present in population databases (gnomAD no frequency). This variant has not been reported in the literature in individuals affected with SCN9A-related conditions. ClinVar contains an entry for this variant (Variation ID: 1020331). Invitae Evidence Modeling of protein sequence and biophysical properties (such as structural, functional, and spatial information, amino acid conservation, physicochemical variation, residue mobility, and thermodynamic stability) indicates that this missense variant is not expected to disrupt SCN9A protein function with a negative predictive value of 95%. In summary, the available evidence is currently insufficient to determine the role of this variant in disease. Therefore, it has been classified as a Variant of Uncertain Significance.